The following is an entry in ClinVar:

NM_004211.5(SLC6A5):c.1507C>G (p.Leu503Val)

Gene: SLC6A5 (solute carrier family 6 member 5; plus strand). Cytogenetic location: 11p15.1.
Variant type: single nucleotide variant.
Coding change: c.1507C>G on transcript NM_004211.5 (MANE Select); coding-DNA position 1507, C replaced by G.
Protein change: p.Leu503Val; replaces leucine 503 with valine.
Molecular consequence: missense variant.
Genome position (GRCh38, 1-based): chr11:20,630,698, C>G. VCF-style: chr11-20630698-C-G. GRCh37 (hg19) VCF-style: chr11-20652244-C-G.
Other names: c.805C>G, p.Leu269Val (NM_001318369.2); short protein forms L269V, L503V.
Identifiers: ClinVar variation 1314701 (VCV001314701.2), dbSNP rs976204065, ClinGen allele CA218740952.
Genomic context (GRCh38, chr11:20,630,698, plus strand): 5'-CCTTTCCACTCACCAAGCACACCTAATGGAAAACTCTGGTCTCTTCCTTCCAGGGACACT[C>G]TAATTGTCACCTGCACCAACAGTGCCACAAGCATCTTTGCCGGCTTCGTCATCTTCTCCG-3'
Protein context (NP_004202.4, residues 493-513): KFHNNCYRDT[Leu503Val]IVTCTNSATS

ClinVar aggregate classification (germline): Uncertain significance (1 of 4 stars; one submission).

Allele frequency attached by ClinVar (database versions not stated): gnomAD 0.00001; gnomAD exomes 0.00001; TOPMed 0.00001.
gnomAD v4.1: 4 of 1,614,240 alleles (0.00025%); highest among the groups gnomAD compares: East Asian, 0.0045%; no homozygotes.

Submission:

GeneDx
Classification: Uncertain significance. Last evaluated: 2020-02-16. Review status: criteria provided, single submitter. Criteria: GeneDx Variant Classification Process June 2021. Collection method: clinical testing. Allele origin: germline. Affected: yes.
Comment: Not observed at a significant frequency in large population cohorts (Lek et al., 2016); In silico analysis supports that this missense variant does not alter protein structure/function; Has not been previously published as pathogenic or benign to our knowledge